The following is an entry in ClinVar:

NM_002890.3(RASA1):c.608G>A (p.Ser203Asn)

Genes: CCNH (cyclin H; minus strand), RASA1 (RAS p21 protein activator 1; plus strand). Cytogenetic location: 5q14.3.
Variant type: single nucleotide variant.
Coding change: c.608G>A on transcript NM_002890.3 (MANE Select); coding-DNA position 608, G replaced by A.
Protein change: p.Ser203Asn; replaces serine 203 with asparagine.
Molecular consequence: missense variant. On other transcripts: intron variant (1).
Genome position (GRCh38, 1-based): chr5:87,331,416, G>A. VCF-style: chr5-87331416-G-A. GRCh37 (hg19) VCF-style: chr5-86627233-G-A.
Other names: c.77G>A, p.Ser26Asn (NM_022650.3); c.934-18621C>T (NM_001364075.2); short protein forms S203N, S26N.
Identifiers: ClinVar variation 2180426 (VCV002180426.3), dbSNP rs2531187423, ClinGen allele CA360375593.

ClinVar aggregate classification (germline): Uncertain significance (1 of 4 stars; one submission).

Conditions:
Capillary malformation-arteriovenous malformation syndrome. Also called: Capillary malformation-arteriovenous malformation. Identifiers: Orphanet 137667, MedGen C1842180, MONDO:0012016.

Submission:

Labcorp Genetics (formerly Invitae), Labcorp
Classification: Uncertain significance for Capillary malformation-arteriovenous malformation syndrome. Last evaluated: 2025-07-27. Review status: criteria provided, single submitter. Criteria: Invitae Variant Classification Sherloc (09022015). Collection method: clinical testing. Allele origin: germline.
Comment: This sequence change replaces serine, which is neutral and polar, with asparagine, which is neutral and polar, at codon 203 of the RASA1 protein (p.Ser203Asn). This variant is not present in population databases (gnomAD no frequency). This variant has not been reported in the literature in individuals affected with RASA1-related conditions. ClinVar contains an entry for this variant (Variation ID: 2180426). An algorithm developed to predict the effect of missense changes on protein structure and function (PolyPhen-2) suggests that this variant is likely to be disruptive. In summary, the available evidence is currently insufficient to determine the role of this variant in disease. Therefore, it has been classified as a Variant of Uncertain Significance.